The following is an entry in ClinVar:

ClinVar aggregate classification (germline): Uncertain significance (1 of 4 stars; one submission).

Conditions:
Nephronophthisis. Also called: Juvenile Nephronophthisis. Identifiers: Orphanet 655, MedGen C0687120, MONDO:0019005, HP:0000090.

Allele frequency attached by ClinVar (database versions not stated): gnomAD exomes below 0.00001; ExAC 0.00001.
gnomAD v4.1: 2 of 1,613,326 alleles (0.00012%); highest among the groups gnomAD compares: Non-Finnish European, 0.000085%; no homozygotes.

Submission:

Labcorp Genetics (formerly Invitae), Labcorp
Classification: Uncertain significance for Nephronophthisis. Last evaluated: 2022-08-01. Review status: criteria provided, single submitter. Criteria: Invitae Variant Classification Sherloc (09022015). Collection method: clinical testing. Allele origin: germline.
Comment: This sequence change replaces histidine, which is basic and polar, with glutamine, which is neutral and polar, at codon 375 of the IQCB1 protein (p.His375Gln). This variant is present in population databases (rs770894488, gnomAD 0.0009%). This variant has not been reported in the literature in individuals affected with IQCB1-related conditions. Algorithms developed to predict the effect of missense changes on protein structure and function are either unavailable or do not agree on the potential impact of this missense change (SIFT: "Deleterious"; PolyPhen-2: "Possibly Damaging"; Align-GVGD: "Class C0"). In summary, the available evidence is currently insufficient to determine the role of this variant in disease. Therefore, it has been classified as a Variant of Uncertain Significance.

NM_001023570.4(IQCB1):c.1125T>G (p.His375Gln)

Gene: IQCB1 (IQ motif containing B1; minus strand). Cytogenetic location: 3q13.33.
Variant type: single nucleotide variant.
Coding change: c.1125T>G on transcript NM_001023570.4 (MANE Select); coding-DNA position 1125, T replaced by G.
Protein change: p.His375Gln; replaces histidine 375 with glutamine.
Molecular consequence: missense variant. On other transcripts: non-coding transcript variant (1).
Genome position (GRCh38, 1-based): chr3:121,790,077, A>C on the plus strand (T>G on the coding strand, the complement: IQCB1 is on the minus strand). VCF-style: chr3-121790077-A-C. GRCh37 (hg19) VCF-style: chr3-121508924-A-C.
Other names: c.726T>G, p.His242Gln (NM_001023571.4); c.1125T>G, p.His375Gln (NM_001319107.2); short protein forms H242Q, H375Q.
Identifiers: ClinVar variation 1923834 (VCV001923834.5), dbSNP rs770894488, ClinGen allele CA2567198.